The following is an entry in ClinVar:

NM_024675.4(PALB2):c.49-19G>T

Gene: PALB2 (partner and localizer of BRCA2; minus strand). Cytogenetic location: 16p12.2.
Variant type: single nucleotide variant.
Coding change: c.49-19G>T on transcript NM_024675.4 (MANE Select); 19 bases into the intron before coding-DNA position 49, G replaced by T.
Molecular consequence: intron variant.
Genome position (GRCh38, 1-based): chr16:23,638,148, C>A on the plus strand (G>T on the coding strand, the complement: PALB2 is on the minus strand). VCF-style: chr16-23638148-C-A. GRCh37 (hg19) VCF-style: chr16-23649469-C-A.
Other names: c.-837-19G>T (NM_001407308.1, NM_001407306.1, NM_001407307.1 and 5 more transcripts); c.48+2962G>T (NM_001407314.1); c.-105+2962G>T (NM_001407313.1, NM_001407312.1); c.49-196G>T (NM_001407296.1); c.49-19G>T (NM_001407297.1, NM_001407302.1, NM_001407298.1 and 3 more transcripts).
Identifiers: ClinVar variation 3903691 (VCV003903691.1).

ClinVar aggregate classification (germline): Likely benign (1 of 4 stars; one submission).

Conditions:
Familial cancer of breast. Also called: Hereditary breast cancer; hereditary breast carcinoma; BREAST CANCER, FAMILIAL. Identifiers: Orphanet 227535, MedGen C0346153, MONDO:0016419, OMIM 114480. Disease mechanism: loss of function.

Submission:

Myriad Genetics, Inc.
Classification: Likely benign for Familial cancer of breast. Last evaluated: 2025-01-09. Review status: criteria provided, single submitter. Criteria: Myriad Autosomal Dominant, Autosomal Recessive and X-Linked Classification Criteria (2023). Collection method: clinical testing. Allele origin: unknown.
Comment: This variant is considered likely benign. This variant is intronic and is not expected to impact mRNA splicing.